The following is an entry in ClinVar:

NM_206937.2(LIG4):c.1735C>T (p.Pro579Ser)

Gene: LIG4 (DNA ligase 4; minus strand). Cytogenetic location: 13q33.3.
Variant type: single nucleotide variant.
Coding change: c.1735C>T on transcript NM_206937.2 (MANE Select); coding-DNA position 1735, C replaced by T.
Protein change: p.Pro579Ser; replaces proline 579 with serine.
Molecular consequence: missense variant.
Genome position (GRCh38, 1-based): chr13:108,209,534, G>A on the plus strand (C>T on the coding strand, the complement: LIG4 is on the minus strand). VCF-style: chr13-108209534-G-A. GRCh37 (hg19) VCF-style: chr13-108861882-G-A.
Other names: c.1735C>T, p.Pro579Ser (NM_001098268.2, NM_001352598.2, NM_001352599.2 and 6 more transcripts); c.1534C>T, p.Pro512Ser (NM_001330595.2); c.1771C>T, p.Pro591Ser (NM_001352604.2); short protein forms P512S, P579S, P591S.
Identifiers: ClinVar variation 1967360 (VCV001967360.2), dbSNP rs781278616, ClinGen allele CA7043628.

ClinVar aggregate classification (germline): Uncertain significance (1 of 4 stars; one submission).

Conditions:
DNA ligase IV deficiency. Identifiers: Orphanet 99812, MedGen C1847827, MONDO:0011686, OMIM 606593.

Allele frequency attached by ClinVar (database versions not stated): gnomAD exomes 0.00001; ExAC 0.00002.
gnomAD v4.1: 4 of 1,614,092 alleles (0.00025%); highest among the groups gnomAD compares: Admixed American, 0.0017%; no homozygotes.

Submission:

Labcorp Genetics (formerly Invitae), Labcorp
Classification: Uncertain significance for DNA ligase IV deficiency. Last evaluated: 2021-12-22. Review status: criteria provided, single submitter. Criteria: Invitae Variant Classification Sherloc (09022015). Collection method: clinical testing. Allele origin: germline.
Comment: This sequence change replaces proline, which is neutral and non-polar, with serine, which is neutral and polar, at codon 579 of the LIG4 protein (p.Pro579Ser). This variant is present in population databases (rs781278616, gnomAD 0.003%). This variant has not been reported in the literature in individuals affected with LIG4-related conditions. Algorithms developed to predict the effect of missense changes on protein structure and function are either unavailable or do not agree on the potential impact of this missense change (SIFT: "Tolerated"; PolyPhen-2: "Probably Damaging"; Align-GVGD: "Class C0"). In summary, the available evidence is currently insufficient to determine the role of this variant in disease. Therefore, it has been classified as a Variant of Uncertain Significance.